The following is an entry in ClinVar:

ClinVar aggregate classification (germline): Uncertain significance (1 of 4 stars; one submission).

Conditions:
Legius syndrome. Identifiers: Orphanet 137605, MedGen C1969623, MONDO:0012669, OMIM 611431. Disease mechanism: loss of function.

Submission:

Labcorp Genetics (formerly Invitae), Labcorp
Classification: Uncertain significance for Legius syndrome. Last evaluated: 2024-05-21. Review status: criteria provided, single submitter. Criteria: Invitae Variant Classification Sherloc (09022015). Collection method: clinical testing. Allele origin: germline.
Comment: This sequence change replaces proline, which is neutral and non-polar, with leucine, which is neutral and non-polar, at codon 177 of the SPRED1 protein (p.Pro177Leu). This variant is not present in population databases (gnomAD no frequency). This variant has not been reported in the literature in individuals affected with SPRED1-related conditions. Advanced modeling of protein sequence and biophysical properties (such as structural, functional, and spatial information, amino acid conservation, physicochemical variation, residue mobility, and thermodynamic stability) performed at Invitae indicates that this missense variant is not expected to disrupt SPRED1 protein function with a negative predictive value of 80%. In summary, the available evidence is currently insufficient to determine the role of this variant in disease. Therefore, it has been classified as a Variant of Uncertain Significance.

NM_152594.3(SPRED1):c.530C>T (p.Pro177Leu)

Gene: SPRED1 (sprouty related EVH1 domain containing 1; plus strand). Cytogenetic location: 15q14.
Variant type: single nucleotide variant.
Coding change: c.530C>T on transcript NM_152594.3 (MANE Select); coding-DNA position 530, C replaced by T.
Protein change: p.Pro177Leu; replaces proline 177 with leucine.
Molecular consequence: missense variant.
Genome position (GRCh38, 1-based): chr15:38,339,843, C>T. VCF-style: chr15-38339843-C-T. GRCh37 (hg19) VCF-style: chr15-38632044-C-T.
Other names: short protein forms P177L.
Identifiers: ClinVar variation 3672222 (VCV003672222.2).